The following is an entry in ClinVar:

ClinVar aggregate classification (germline): Pathogenic. Review status: criteria provided, multiple submitters, no conflicts (2 of 4 stars). 2 submissions from 2 submitters: Pathogenic (2). Last evaluated 2024-05-21.

Conditions:
PDE6B-related disorder. Also called: PDE6B-related disease; PDE6B-related condition; PDE6B-related disorders.

Submissions (2):

Blueprint Genetics
Classification: Pathogenic for PDE6B-related disorders. Last evaluated: 2024-05-21. Review status: criteria provided, single submitter. Criteria: ACMG Guidelines, 2015. Collection method: clinical testing. Allele origin: germline. Affected: yes. Observed: 5 variant alleles.

GeneDx
Classification: Pathogenic. Last evaluated: 2023-02-18. Review status: criteria provided, single submitter. Criteria: GeneDx Variant Classification Process June 2021. Collection method: clinical testing. Allele origin: germline. Affected: yes.
Comment: Frameshift variant predicted to result in protein truncation or nonsense mediated decay in a gene for which loss of function is a known mechanism of disease; Not observed at significant frequency in large population cohorts (gnomAD); This variant is associated with the following publications: (PMID: 22334370)

NM_000283.4(PDE6B):c.1927_1969delinsGG (p.Asn643fs)

Gene: PDE6B (phosphodiesterase 6B; plus strand). Cytogenetic location: 4p16.3.
Variant type: Indel.
Coding change: c.1927_1969delinsGG on transcript NM_000283.4 (MANE Select); coding-DNA positions 1927 to 1969, the reference bases replaced by GG.
Protein change: p.Asn643fs; shifts the reading frame from asparagine 643.
Molecular consequence: frameshift variant.
Genome position (GRCh38, 1-based): chr4:663,776-663,818, 43 bases replaced. GRCh37 (hg19): chr4:657,565-657,607.
Other names: c.1927_1969delinsGG, p.Asn643fs (NM_001145291.2); c.1090_1132delinsGG, p.Asn364fs (NM_001145292.2, NM_001350154.3, NM_001379246.1 and 1 more transcripts); c.772_814delinsGG, p.Asn258fs (NM_001350155.3); short protein forms N643fs, N258fs, N364fs.
Identifiers: ClinVar variation 866951 (VCV000866951.3), dbSNP rs1737428529, ClinGen allele CA916082622.
Genomic context (GRCh38, chr4:663,776, plus strand): 5'-GCACCCTGAGAGGTGGCCGCAGGGCGCCTGACGCGCTGGGCATAACCTCCGCAGACCCTG[AACATCTACCAGAACCTGAACCGGCGGCAGCACGAGCACGTGA>GG]TCCACCTGATGGACATCGCCATCATCGCCACGGACCTGGCCCTGTACTTCAAGTGCGCGC-3'